The following is an entry in ClinVar:

ClinVar aggregate classification (germline): Uncertain significance (1 of 4 stars; one submission).

Conditions:
Cardiovascular phenotype. Identifiers: MedGen CN230736.

Submission:

Ambry Genetics
Classification: Uncertain significance for Cardiovascular phenotype. Last evaluated: 2022-02-14. Review status: criteria provided, single submitter. Criteria: Ambry Variant Classification Scheme 2023. Collection method: clinical testing. Allele origin: germline.
Comment: The p.G322V variant (also known as c.965G>T), located in coding exon 8 of the SCN10A gene, results from a G to T substitution at nucleotide position 965. The glycine at codon 322 is replaced by valine, an amino acid with dissimilar properties. This amino acid position is conserved. In addition, this alteration is predicted to be deleterious by in silico analysis. Since supporting evidence is limited at this time, the clinical significance of this alteration remains unclear.

NM_006514.4(SCN10A):c.965G>T (p.Gly322Val)

Gene: SCN10A (sodium voltage-gated channel alpha subunit 10; minus strand). Cytogenetic location: 3p22.2.
Variant type: single nucleotide variant.
Coding change: c.965G>T on transcript NM_006514.4 (MANE Select); coding-DNA position 965, G replaced by T.
Protein change: p.Gly322Val; replaces glycine 322 with valine.
Molecular consequence: missense variant.
Genome position (GRCh38, 1-based): chr3:38,757,145, C>A on the plus strand (G>T on the coding strand, the complement: SCN10A is on the minus strand). VCF-style: chr3-38757145-C-A. GRCh37 (hg19) VCF-style: chr3-38798636-C-A.
Other names: c.965G>T, p.Gly322Val (NM_001293306.2, NM_001293307.2); short protein forms G322V.
Identifiers: ClinVar variation 1767699 (VCV001767699.2), dbSNP rs373391820, ClinGen allele CA352170277.